The following is an entry in ClinVar:

ClinVar aggregate classification (germline): Likely benign. Review status: criteria provided, multiple submitters, no conflicts (2 of 4 stars). 6 submissions from 6 submitters: Likely benign (5). 1 of the submissions does not count toward it. Last evaluated 2026-01-22.

Conditions:
MAGI2-related disorder. Also called: MAGI2-related condition.

Allele frequency attached by ClinVar (database versions not stated): 1000 Genomes Project 0.00080; 1000 Genomes Project 30x 0.00125; ExAC 0.00147; gnomAD exomes 0.00157 and 0.00338; TOPMed 0.00197; gnomAD 0.00201 and 0.00206; ESP Exome Variant Server 0.00284.
gnomAD v4.1: 5,204 of 1,612,792 alleles (0.32%); highest among the groups gnomAD compares: Non-Finnish European, 0.41%; 19 homozygotes.

Submissions (6):

Labcorp Genetics (formerly Invitae), Labcorp
Classification: Likely benign. Last evaluated: 2026-01-22. Review status: criteria provided, single submitter. Criteria: Invitae Variant Classification Sherloc (09022015). Collection method: clinical testing. Allele origin: germline.

Blueprint Genetics
Classification: Likely benign. Last evaluated: 2024-11-25. Review status: criteria provided, single submitter. Criteria: ACMG Guidelines, 2015. Collection method: clinical testing. Allele origin: germline.

CeGaT Center for Human Genetics Tuebingen
Classification: Likely benign. Last evaluated: 2024-11-01. Review status: criteria provided, single submitter. Criteria: CeGaT Center For Human Genetics Tuebingen Variant Classification Criteria Version 2. Collection method: clinical testing. Allele origin: germline. Affected: yes. Observed: 1 variant allele.
Comment: MAGI2: PP2, BS2

Athena Diagnostics
Classification: Likely benign. Last evaluated: 2024-09-17. Review status: criteria provided, single submitter. Criteria: Athena Diagnostics Criteria. Collection method: clinical testing. Allele origin: unknown.

Eurofins Ntd Llc (ga)
Classification: Likely benign. Last evaluated: 2018-06-12. Review status: criteria provided, single submitter. Criteria: EGL ClinVar v180209 classification definitions. Collection method: clinical testing. Allele origin: germline. Observed: 3 variant alleles, 3 heterozygotes.

PreventionGenetics, part of Exact Sciences
Classification: Likely benign for MAGI2-related condition. Last evaluated: 2022-04-06. Review status: no assertion criteria provided. Collection method: clinical testing. Allele origin: germline. Not counted in ClinVar's aggregate classification.
Comment: This variant is classified as likely benign based on ACMG/AMP sequence variant interpretation guidelines (Richards et al. 2015 PMID: 25741868, with internal and published modifications).

Literature cited by the submitters: PubMed 30986657 (cited by Athena Diagnostics); PubMed 31370007 (cited by Athena Diagnostics).

NM_012301.4(MAGI2):c.3911G>A (p.Gly1304Asp)

Gene: MAGI2 (membrane associated guanylate kinase, WW and PDZ domain containing 2; minus strand). Cytogenetic location: 7q21.11.
Variant type: single nucleotide variant.
Coding change: c.3911G>A on transcript NM_012301.4 (MANE Select); coding-DNA position 3911, G replaced by A.
Protein change: p.Gly1304Asp; replaces glycine 1304 with aspartic acid.
Molecular consequence: missense variant.
Genome position (GRCh38, 1-based): chr7:78,019,772, C>T on the plus strand (G>A on the coding strand, the complement: MAGI2 is on the minus strand). VCF-style: chr7-78019772-C-T. GRCh37 (hg19) VCF-style: chr7-77649089-C-T.
Other names: c.3869G>A, p.Gly1290Asp (NM_001301128.2); short protein forms G1304D, G1290D.
Identifiers: ClinVar variation 282850 (VCV000282850.33), dbSNP rs145648453, ClinGen allele CA4313355.